The following is an entry in ClinVar:

NM_000256.3(MYBPC3):c.3185T>C (p.Val1062Ala)

Gene: MYBPC3 (myosin binding protein C3; minus strand). Cytogenetic location: 11p11.2.
Variant type: single nucleotide variant.
Coding change: c.3185T>C on transcript NM_000256.3 (MANE Select); coding-DNA position 3185, T replaced by C.
Protein change: p.Val1062Ala; replaces valine 1062 with alanine.
Molecular consequence: missense variant.
Genome position (GRCh38, 1-based): chr11:47,333,562, A>G on the plus strand (T>C on the coding strand, the complement: MYBPC3 is on the minus strand). VCF-style: chr11-47333562-A-G. GRCh37 (hg19) VCF-style: chr11-47355113-A-G.
Other names: short protein forms V1062A.
Identifiers: ClinVar variation 3072765 (VCV003072765.2), dbSNP rs1165604763, ClinGen allele CA380314622.

ClinVar aggregate classification (germline): Uncertain significance. Review status: criteria provided, multiple submitters, no conflicts (2 of 4 stars). 3 submissions from 3 submitters: Uncertain significance (3). Last evaluated 2025-10-03.

Conditions:
Cardiomyopathy (CMYO). Also called: Cardiomyopathies. Identifiers: Orphanet 167848, MedGen C0878544, MONDO:0004994, HP:0001638. Inheritance: Various modes of inheritance.
Hypertrophic cardiomyopathy. Also called: HYPERTROPHIC MYOCARDIOPATHY. Identifiers: Orphanet 217569, MedGen C0007194, MeSH D002312, MONDO:0005045, HP:0001639.

Submissions (3):

Color Diagnostics, LLC DBA Color Health
Classification: Uncertain significance for Cardiomyopathy. Last evaluated: 2025-10-03. Review status: criteria provided, single submitter. Criteria: ACMG Guidelines, 2015. Collection method: clinical testing. Allele origin: germline.
Comment: This missense variant replaces valine with alanine at codon 1062 of the MYBPC3 protein. Computational prediction suggests that this variant may not impact protein structure and function. To our knowledge, functional studies have not been reported for this variant. This variant has not been reported in individuals affected with MYBPC3-related disorders in the literature. This variant has not been identified in the general population by the Genome Aggregation Database (gnomAD). The available evidence is insufficient to determine the role of this variant in disease conclusively. Therefore, this variant is classified as a Variant of Uncertain Significance.

Labcorp Genetics (formerly Invitae), Labcorp
Classification: Uncertain significance for Hypertrophic cardiomyopathy. Last evaluated: 2025-09-10. Review status: criteria provided, single submitter. Criteria: Invitae Variant Classification Sherloc (09022015). Collection method: clinical testing. Allele origin: germline.
Comment: This sequence change replaces valine, which is neutral and non-polar, with alanine, which is neutral and non-polar, at codon 1062 of the MYBPC3 protein (p.Val1062Ala). This variant is not present in population databases (gnomAD no frequency). This variant has not been reported in the literature in individuals affected with MYBPC3-related conditions. ClinVar contains an entry for this variant (Variation ID: 3072765). An algorithm developed to predict the effect of missense changes on protein structure and function (PolyPhen-2) suggests that this variant is likely to be tolerated. In summary, the available evidence is currently insufficient to determine the role of this variant in disease. Therefore, it has been classified as a Variant of Uncertain Significance.

All of Us Research Program, National Institutes of Health
Classification: Uncertain significance for Hypertrophic cardiomyopathy. Last evaluated: 2023-08-15. Review status: criteria provided, single submitter. Criteria: ACMG Guidelines, 2015. Collection method: clinical testing. Allele origin: germline. Inheritance: Autosomal dominant inheritance. Observed: 1 variant allele, 1 heterozygote.
Comment: This missense variant replaces valine with alanine at codon 1062 of the MYBPC3 protein. Computational prediction suggests that this variant may not impact protein structure and function (internally defined REVEL score threshold <= 0.5, PMID: 27666373). To our knowledge, functional studies have not been reported for this variant. This variant has not been reported in individuals affected with MYBPC3-related disorders in the literature. This variant has not been identified in the general population by the Genome Aggregation Database (gnomAD). The available evidence is insufficient to determine the role of this variant in disease conclusively. Therefore, this variant is classified as a Variant of Uncertain Significance.

This study involves interpretation of variants in research participants for the purpose of population health screening. Participant phenotype was not available at the time of variant classification. Additional details can be found in publication PMID: 35346344, PMCID: PMC8962531